The following is an entry in ClinVar:

NM_000093.5(COL5A1):c.170A>G (p.Lys57Arg)

Gene: COL5A1 (collagen type V alpha 1 chain; plus strand). Cytogenetic location: 9q34.3.
Variant type: single nucleotide variant.
Coding change: c.170A>G on transcript NM_000093.5 (MANE Select); coding-DNA position 170, A replaced by G.
Protein change: p.Lys57Arg; replaces lysine 57 with arginine.
Molecular consequence: missense variant.
Genome position (GRCh38, 1-based): chr9:134,690,972, A>G. VCF-style: chr9-134690972-A-G. GRCh37 (hg19) VCF-style: chr9-137582818-A-G.
Other names: c.170A>G, p.Lys57Arg (NM_001278074.1); short protein forms K57R.
Identifiers: ClinVar variation 429393 (VCV000429393.5), dbSNP rs1131691360, ClinGen allele CA375440419.
Genomic context (GRCh38, chr9:134,690,972, plus strand): 5'-CTCAGCCAGCAGATCTCCTGAAGGTTCTAGATTTTCACAACTTGCCTGATGGAATAACAA[A>G]GACAACAGGCTTTTGCGCCACGCGGCGATCTTCCAAAGGCCCGGATGTCGCTTACAGAGT-3'
Protein context (NP_000084.3, residues 47-67): DFHNLPDGIT[Lys57Arg]TTGFCATRRS

ClinVar aggregate classification (germline): Uncertain significance. Review status: criteria provided, multiple submitters, no conflicts (2 of 4 stars). 2 submissions from 2 submitters: Uncertain significance (2). Last evaluated 2023-06-04.

Conditions:
Ehlers-Danlos syndrome, classic type, 1 (EDSCL1). Also called: EHLERS-DANLOS SYNDROME, GRAVIS TYPE; EHLERS-DANLOS SYNDROME, SEVERE CLASSIC TYPE; EDS I; Ehlers-Danlos Syndrome, Classic Type, COL5A1-Related; Ehlers-Danlos syndrome, type 1. Identifiers: MedGen C0268335, MONDO:0019567, OMIM 130000.

Allele frequency attached by ClinVar (database versions not stated): gnomAD 0.00002; TOPMed 0.00002.

Submissions (2):

Labcorp Genetics (formerly Invitae), Labcorp
Classification: Uncertain significance for Ehlers-Danlos syndrome, classic type, 1. Last evaluated: 2023-06-04. Review status: criteria provided, single submitter. Criteria: Invitae Variant Classification Sherloc (09022015). Collection method: clinical testing. Allele origin: germline.
Comment: In summary, the available evidence is currently insufficient to determine the role of this variant in disease. Therefore, it has been classified as a Variant of Uncertain Significance. Advanced modeling of protein sequence and biophysical properties (such as structural, functional, and spatial information, amino acid conservation, physicochemical variation, residue mobility, and thermodynamic stability) performed at Invitae indicates that this missense variant is not expected to disrupt COL5A1 protein function. ClinVar contains an entry for this variant (Variation ID: 429393). This missense change has been observed in individual(s) with clinical features of Ehlers-Danlos syndrome (Invitae). This variant is not present in population databases (gnomAD no frequency). This sequence change replaces lysine, which is basic and polar, with arginine, which is basic and polar, at codon 57 of the COL5A1 protein (p.Lys57Arg).

GeneDx
Classification: Uncertain significance. Last evaluated: 2017-05-08. Review status: criteria provided, single submitter. Criteria: GeneDx Variant Classification (06012015). Collection method: clinical testing. Allele origin: germline. Affected: yes.
Comment: A variant of uncertain significance has been identified in the COL5A1 gene. The K57R variant has not been published as pathogenic or been reported as benign to our knowledge. This variant is not observed in large population cohorts (Lek et al., 2016; 1000 Genomes Consortium et al., 2015; Exome Variant Server). However, the K57R variant is a conservative amino acid substitution, which is not likely to impact secondary protein structure as these residues share similar properties. This substitution occurs at a position that is not conserved across species and where arginine is present as the wild type in several species. In silico analysis suggests that this variant likely does not alter the protein structure/function. Finally, the K57R variant does not affect a Glycine residue in a Gly-X-Y motif in the triple helical region of the COL5A1 gene, where the majority of pathogenic missense variants occur (Stenson et al., 2014; Symoens et al., 2012).